The following is an entry in ClinVar:

ClinVar aggregate classification (germline): Conflicting classifications of pathogenicity. Review status: criteria provided, conflicting classifications (1 of 4 stars). 6 submissions from 6 submitters: Uncertain significance (4); Likely benign (1). 1 of the submissions does not count toward it. Last evaluated 2024-03-20.

Conditions:
CFTR-related disorder (CFTR-RD). Also called: CFTR-related disorders; CFTR-related condition. Identifiers: MedGen C5924204, MONDO:7770004.
Cystic fibrosis (CF). Also called: MUCOVISCIDOSIS. Identifiers: Orphanet 586, MedGen C0010674, MONDO:0009061, OMIM 219700. Disease mechanism: loss of function.

Allele frequency attached by ClinVar (database versions not stated): gnomAD 0.00001; gnomAD exomes 0.00001 and 0.00002; TOPMed 0.00001; ExAC 0.00002.
gnomAD v4.1: 18 of 1,612,376 alleles (0.0011%); highest among the groups gnomAD compares: Non-Finnish European, 0.0015%; no homozygotes.

Submissions (6):

Blueprint Genetics
Classification: Uncertain significance. Last evaluated: 2024-03-20. Review status: criteria provided, single submitter. Criteria: ACMG Guidelines, 2015. Collection method: clinical testing. Allele origin: germline.

Labcorp Genetics (formerly Invitae), Labcorp
Classification: Uncertain significance for Cystic fibrosis. Last evaluated: 2023-12-08. Review status: criteria provided, single submitter. Criteria: Invitae Variant Classification Sherloc (09022015). Collection method: clinical testing. Allele origin: germline.
Comment: This sequence change replaces isoleucine, which is neutral and non-polar, with serine, which is neutral and polar, at codon 752 of the CFTR protein (p.Ile752Ser). This variant is present in population databases (rs766541549, gnomAD 0.005%). This missense change has been observed in individual(s) with atypical chronic rhino-sinusitis and nasal polyposis and no other signs suggestive of cystic fibrosis (PMID: 18493878). ClinVar contains an entry for this variant (Variation ID: 526021). Advanced modeling of protein sequence and biophysical properties (such as structural, functional, and spatial information, amino acid conservation, physicochemical variation, residue mobility, and thermodynamic stability) performed at Invitae indicates that this missense variant is not expected to disrupt CFTR protein function with a negative predictive value of 80%. In summary, the available evidence is currently insufficient to determine the role of this variant in disease. Therefore, it has been classified as a Variant of Uncertain Significance.

Ambry Genetics
Classification: Likely benign for Cystic fibrosis. Last evaluated: 2022-05-05. Review status: criteria provided, single submitter. Criteria: Ambry Variant Classification Scheme 2023. Collection method: clinical testing. Allele origin: germline.

Genome-Nilou Lab
Classification: Uncertain significance for Cystic fibrosis. Last evaluated: 2021-09-05. Review status: criteria provided, single submitter. Criteria: ACMG Guidelines, 2015. Collection method: clinical testing. Allele origin: germline. Affected: no.

CeGaT Center for Human Genetics Tuebingen
Classification: Uncertain significance. Last evaluated: 2020-08-01. Review status: criteria provided, single submitter. Criteria: CeGaT Center For Human Genetics Tuebingen Variant Classification Criteria Version 2. Collection method: clinical testing. Allele origin: germline. Affected: yes. Observed: 1 variant allele.

Natera, Inc.
Classification: Uncertain significance for CFTR-related disorders. Last evaluated: 2018-06-06. Review status: no assertion criteria provided. Collection method: clinical testing. Allele origin: germline. Not counted in ClinVar's aggregate classification.

Literature cited by the submitters: PubMed 18493878 (cited by Labcorp Genetics (formerly Invitae), Labcorp and Ambry Genetics).

NM_000492.4(CFTR):c.2255T>G (p.Ile752Ser)

Gene: CFTR (CF transmembrane conductance regulator; plus strand). Cytogenetic location: 7q31.2.
Variant type: single nucleotide variant.
Coding change: c.2255T>G on transcript NM_000492.4 (MANE Select); coding-DNA position 2255, T replaced by G.
Protein change: p.Ile752Ser; replaces isoleucine 752 with serine.
Molecular consequence: missense variant.
Genome position (GRCh38, 1-based): chr7:117,592,422, T>G. VCF-style: chr7-117592422-T-G. GRCh37 (hg19) VCF-style: chr7-117232476-T-G.
Other names: short protein forms I752S.
Identifiers: ClinVar variation 526021 (VCV000526021.51), dbSNP rs766541549, ClinGen allele CA4451162.